The following is an entry in ClinVar:

ClinVar aggregate classification (germline): Pathogenic (1 of 4 stars; one submission).

Conditions:
Werner syndrome (WRN). Identifiers: Orphanet 902, MedGen C0043119, MONDO:0010196, OMIM 277700.

gnomAD v4.1: 1 of 1,613,686 alleles (0.000062%); no homozygotes.

Submission:

Women's Health and Genetics/Laboratory Corporation of America, LabCorp
Classification: Pathogenic for Werner syndrome. Last evaluated: 2023-12-14. Review status: criteria provided, single submitter. Criteria: LabCorp Variant Classification Summary - May 2015. Collection method: clinical testing. Allele origin: germline.
Comment: Variant summary: WRN c.1484T>G (p.Leu495X) results in a premature termination codon, predicted to cause a truncation of the encoded protein or absence of the protein due to nonsense mediated decay, which are commonly known mechanisms for disease. The variant was absent in 250752 control chromosomes. To our knowledge, no occurrence of c.1484T>G in individuals affected with Werner Syndrome and no experimental evidence demonstrating its impact on protein function have been reported. No submitters have cited clinical-significance assessments for this variant to ClinVar after 2014. Based on the evidence outlined above, the variant was classified as pathogenic.

NM_000553.6(WRN):c.1484T>G (p.Leu495Ter)

Gene: WRN (WRN RecQ like helicase; plus strand). Cytogenetic location: 8p12.
Variant type: single nucleotide variant.
Coding change: c.1484T>G on transcript NM_000553.6 (MANE Select); coding-DNA position 1484, T replaced by G.
Protein change: p.Leu495Ter; replaces leucine 495 with a stop codon.
Molecular consequence: nonsense.
Genome position (GRCh38, 1-based): chr8:31,087,828, T>G. VCF-style: chr8-31087828-T-G. GRCh37 (hg19) VCF-style: chr8-30945344-T-G.
Other names: short protein forms L495*.
Identifiers: ClinVar variation 2691692 (VCV002691692.1), dbSNP rs2535924122, ClinGen allele CA370924382.